The following is an entry in ClinVar:

ClinVar aggregate classification (germline): Uncertain significance. Review status: criteria provided, multiple submitters, no conflicts (2 of 4 stars). 2 submissions from 2 submitters: Uncertain significance (2). Last evaluated 2024-05-28.

Allele frequency attached by ClinVar (database versions not stated): TOPMed 0.00002.
gnomAD v4.1: 24 of 1,613,444 alleles (0.0015%); highest among the groups gnomAD compares: South Asian, 0.0022%; no homozygotes.

Submissions (2):

Labcorp Genetics (formerly Invitae), Labcorp
Classification: Uncertain significance. Last evaluated: 2024-05-28. Review status: criteria provided, single submitter. Criteria: Invitae Variant Classification Sherloc (09022015). Collection method: clinical testing. Allele origin: germline.
Comment: This sequence change replaces arginine, which is basic and polar, with glutamine, which is neutral and polar, at codon 413 of the MYH14 protein (p.Arg413Gln). This variant is present in population databases (rs201603885, gnomAD 0.007%). This variant has not been reported in the literature in individuals affected with MYH14-related conditions. Advanced modeling of protein sequence and biophysical properties (such as structural, functional, and spatial information, amino acid conservation, physicochemical variation, residue mobility, and thermodynamic stability) performed at Invitae indicates that this missense variant is not expected to disrupt MYH14 protein function with a negative predictive value of 80%. In summary, the available evidence is currently insufficient to determine the role of this variant in disease. Therefore, it has been classified as a Variant of Uncertain Significance.

CeGaT Center for Human Genetics Tuebingen
Classification: Uncertain significance. Last evaluated: 2024-01-01. Review status: criteria provided, single submitter. Criteria: CeGaT Center For Human Genetics Tuebingen Variant Classification Criteria Version 2. Collection method: clinical testing. Allele origin: germline. Affected: yes. Observed: 1 variant allele.

NM_001145809.2(MYH14):c.1262G>A (p.Arg421Gln)

Gene: MYH14 (myosin heavy chain 14; plus strand). Cytogenetic location: 19q13.33.
Variant type: single nucleotide variant.
Coding change: c.1262G>A on transcript NM_001145809.2 (MANE Select); coding-DNA position 1262, G replaced by A.
Protein change: p.Arg421Gln; replaces arginine 421 with glutamine.
Molecular consequence: missense variant.
Genome position (GRCh38, 1-based): chr19:50,247,055, G>A. VCF-style: chr19-50247055-G-A. GRCh37 (hg19) VCF-style: chr19-50750312-G-A.
Other names: c.1262G>A, p.Arg421Gln (NM_001077186.2); c.1238G>A, p.Arg413Gln (NM_024729.4); short protein forms R413Q, R421Q.
Identifiers: ClinVar variation 3025385 (VCV003025385.24), dbSNP rs201603885, ClinGen allele CA309594849.